The following is an entry in ClinVar:

ClinVar aggregate classification (germline): Benign. Review status: criteria provided, multiple submitters, no conflicts (2 of 4 stars). 6 submissions from 6 submitters: Benign (5). 1 of the submissions does not count toward it. Last evaluated 2026-02-01.

Conditions:
MCM2-related disorder. Also called: MCM2-related condition.

Allele frequency attached by ClinVar (database versions not stated): 1000 Genomes Project 30x 0.06699; ESP Exome Variant Server 0.05936; 1000 Genomes Project 0.06370; ExAC 0.01686; gnomAD 0.04890; TOPMed 0.05726.
gnomAD v4.1: 15,636 of 1,613,966 alleles (0.97%); highest among the groups gnomAD compares: African/African-American, 18%; 1,228 homozygotes.

Submissions (6):

Labcorp Genetics (formerly Invitae), Labcorp
Classification: Benign. Last evaluated: 2026-02-01. Review status: criteria provided, single submitter. Criteria: Invitae Variant Classification Sherloc (09022015). Collection method: clinical testing. Allele origin: germline.

Mayo Clinic Laboratories, Mayo Clinic
Classification: Benign. Last evaluated: 2021-11-07. Review status: criteria provided, single submitter. Criteria: ACMG Guidelines, 2015. Collection method: clinical testing. Allele origin: germline. Observed: 7 variant alleles.

Athena Diagnostics
Classification: Benign. Last evaluated: 2018-11-12. Review status: criteria provided, single submitter. Criteria: Athena Diagnostics Criteria. Collection method: clinical testing. Allele origin: germline.

GeneDx
Classification: Benign. Last evaluated: 2017-11-20. Review status: criteria provided, single submitter. Criteria: GeneDx Variant Classification (06012015). Collection method: clinical testing. Allele origin: germline. Affected: yes.
Comment: This variant is considered likely benign or benign based on one or more of the following criteria: it is a conservative change, it occurs at a poorly conserved position in the protein, it is predicted to be benign by multiple in silico algorithms, and/or has population frequency not consistent with disease.

Breakthrough Genomics
Classification: Benign. Review status: criteria provided, single submitter. Criteria: ACMG Guidelines, 2015. Collection method: not provided. Allele origin: germline. Inheritance: Autosomal dominant inheritance. Affected: yes.

PreventionGenetics, part of Exact Sciences
Classification: Benign for MCM2-related condition. Last evaluated: 2019-07-15. Review status: no assertion criteria provided. Collection method: clinical testing. Allele origin: germline. Not counted in ClinVar's aggregate classification.
Comment: This variant is classified as benign based on ACMG/AMP sequence variant interpretation guidelines (Richards et al. 2015 PMID: 25741868, with internal and published modifications).

NM_004526.4(MCM2):c.2682C>T (p.Asp894=)

Genes: MCM2 (minichromosome maintenance complex component 2; plus strand), LOC107986126 (uncharacterized LOC107986126; minus strand). Cytogenetic location: 3q21.3.
Variant type: single nucleotide variant.
Coding change: c.2682C>T on transcript NM_004526.4 (MANE Select); coding-DNA position 2682, C replaced by T.
Protein change: p.Asp894=; no amino-acid change (aspartic acid 894 retained).
Molecular consequence: synonymous variant. On other transcripts: non-coding transcript variant (1).
Genome position (GRCh38, 1-based): chr3:127,621,740, C>T. VCF-style: chr3-127621740-C-T. GRCh37 (hg19) VCF-style: chr3-127340583-C-T.
Other names: p.Asp894=.
Identifiers: ClinVar variation 513651 (VCV000513651.14), dbSNP rs6794323, ClinGen allele CA2596335.